The following is an entry in ClinVar:

ClinVar aggregate classification (germline): Uncertain significance. Review status: criteria provided, multiple submitters, no conflicts (2 of 4 stars). 2 submissions from 2 submitters: Uncertain significance (2). Last evaluated 2025-09-02.

Conditions:
Hereditary cancer-predisposing syndrome. Also called: Neoplastic Syndromes, Hereditary; Tumor predisposition; Hereditary neoplastic syndrome; Hereditary Cancer Syndrome. Identifiers: Orphanet 140162, MedGen C0027672, MeSH D009386, MONDO:0015356.
Familial cancer of breast. Also called: BREAST CANCER, FAMILIAL; Hereditary breast cancer; hereditary breast carcinoma. Identifiers: Orphanet 227535, MedGen C0346153, MONDO:0016419, OMIM 114480. Disease mechanism: loss of function.

Allele frequency attached by ClinVar (database versions not stated): gnomAD exomes below 0.00001.
gnomAD v4.1: 1 of 1,613,576 alleles (0.000062%); no homozygotes.

Submissions (2):

Labcorp Genetics (formerly Invitae), Labcorp
Classification: Uncertain significance for Familial cancer of breast. Last evaluated: 2025-09-02. Review status: criteria provided, single submitter. Criteria: Invitae Variant Classification Sherloc (09022015). Collection method: clinical testing. Allele origin: germline.
Comment: This sequence change replaces lysine, which is basic and polar, with asparagine, which is neutral and polar, at codon 302 of the BARD1 protein (p.Lys302Asn). This variant is present in population databases (no rsID available, gnomAD 0.01%). This variant has not been reported in the literature in individuals affected with BARD1-related conditions. ClinVar contains an entry for this variant (Variation ID: 628634). An algorithm developed to predict the effect of missense changes on protein structure and function outputs the following: PolyPhen-2: "Benign". The asparagine amino acid residue is found in multiple mammalian species, which suggests that this missense change does not adversely affect protein function. In summary, the available evidence is currently insufficient to determine the role of this variant in disease. Therefore, it has been classified as a Variant of Uncertain Significance.

Color Diagnostics, LLC DBA Color Health
Classification: Uncertain significance for Hereditary cancer-predisposing syndrome. Last evaluated: 2023-12-05. Review status: criteria provided, single submitter. Criteria: ACMG Guidelines, 2015. Collection method: clinical testing. Allele origin: germline.
Comment: This missense variant replaces lysine with asparagine at codon 302 of the BARD1 protein. Computational prediction suggests that this variant may not impact protein structure and function (internally defined REVEL score threshold <= 0.5, PMID: 27666373). To our knowledge, functional studies have not been reported for this variant. This variant has not been reported in individuals affected with BARD1-related disorders in the literature. This variant has been identified in 1/250500 chromosomes in the general population by the Genome Aggregation Database (gnomAD). The available evidence is insufficient to determine the role of this variant in disease conclusively. Therefore, this variant is classified as a Variant of Uncertain Significance.

NM_000465.4(BARD1):c.906G>C (p.Lys302Asn)

Gene: BARD1 (BRCA1 associated RING domain 1; minus strand). Cytogenetic location: 2q35.
Variant type: single nucleotide variant.
Coding change: c.906G>C on transcript NM_000465.4 (MANE Select); coding-DNA position 906, G replaced by C.
Protein change: p.Lys302Asn; replaces lysine 302 with asparagine.
Molecular consequence: missense variant. On other transcripts: non-coding transcript variant (2), intron variant (3).
Genome position (GRCh38, 1-based): chr2:214,780,968, C>G on the plus strand (G>C on the coding strand, the complement: BARD1 is on the minus strand). VCF-style: chr2-214780968-C-G. GRCh37 (hg19) VCF-style: chr2-215645692-C-G.
Other names: c.849G>C, p.Lys283Asn (NM_001282543.2); c.159-28413G>C (NM_001282548.2); c.215+16093G>C (NM_001282545.2); c.364+11329G>C (NM_001282549.2); short protein forms K302N, K283N.
Identifiers: ClinVar variation 628634 (VCV000628634.14), dbSNP rs1412871752, ClinGen allele CA350455107.